The following is an entry in ClinVar:

ClinVar aggregate classification (germline): Uncertain significance (1 of 4 stars; one submission).

Conditions:
Hereditary cancer-predisposing syndrome. Also called: Hereditary neoplastic syndrome; Hereditary Cancer Syndrome; Neoplastic Syndromes, Hereditary; Tumor predisposition. Identifiers: Orphanet 140162, MedGen C0027672, MeSH D009386, MONDO:0015356.

Submission:

Ambry Genetics
Classification: Uncertain significance for Hereditary cancer-predisposing syndrome. Last evaluated: 2025-07-28. Review status: criteria provided, single submitter. Criteria: Ambry Variant Classification Scheme 2023. Collection method: clinical testing. Allele origin: germline.
Comment: The p.A1392P variant (also known as c.4174G>C), located in coding exon 21 of the BLM gene, results from a G to C substitution at nucleotide position 4174. The alanine at codon 1392 is replaced by proline, an amino acid with highly similar properties. This amino acid position is conserved. In addition, this alteration is predicted to be tolerated by in silico analysis. Since supporting evidence is limited at this time, the clinical significance of this alteration remains unclear.

NM_000057.4(BLM):c.4174G>C (p.Ala1392Pro)

Gene: BLM (BLM RecQ like helicase; plus strand). Cytogenetic location: 15q26.1.
Variant type: single nucleotide variant.
Coding change: c.4174G>C on transcript NM_000057.4 (MANE Select); coding-DNA position 4174, G replaced by C.
Protein change: p.Ala1392Pro; replaces alanine 1392 with proline.
Molecular consequence: missense variant.
Genome position (GRCh38, 1-based): chr15:90,815,199, G>C. VCF-style: chr15-90815199-G-C. GRCh37 (hg19) VCF-style: chr15-91358429-G-C.
Other names: c.4174G>C, p.Ala1392Pro (NM_001287246.2); c.3781G>C, p.Ala1261Pro (NM_001287247.2); c.3049G>C, p.Ala1017Pro (NM_001287248.2); short protein forms A1392P, A1017P, A1261P.
Identifiers: ClinVar variation 2566845 (VCV002566845.3), dbSNP rs2151202372, ClinGen allele CA393852476.